The following is an entry in ClinVar:

NM_000094.4(COL7A1):c.7505del (p.Gly2502fs)

Gene: COL7A1 (collagen type VII alpha 1 chain; minus strand). Cytogenetic location: 3p21.31.
Variant type: Deletion.
Coding change: c.7505del on transcript NM_000094.4 (MANE Select); coding-DNA position 7505, one base deleted (G; older notation c.7505delG).
Protein change: p.Gly2502fs; shifts the reading frame from glycine 2502.
Molecular consequence: frameshift variant.
Genome position (GRCh38, 1-based): chr3:48,569,896, C deleted on the plus strand (G on the coding strand, the reverse complement: COL7A1 is on the minus strand); the first of 4 consecutive C bases (chr3:48,569,896-48,569,899); deleting any one gives the same sequence. VCF-style (leftmost placement, unchanged base first): chr3-48569895-TC-T. GRCh37 (hg19) VCF-style: chr3-48607328-TC-T.
Other names: short protein forms G2502fs.
Identifiers: ClinVar variation 5014280 (VCV005014280.1).

ClinVar aggregate classification (germline): Pathogenic (1 of 4 stars; one submission).

Conditions:
Recessive dystrophic epidermolysis bullosa (RDEB). Also called: DYSTROPHIC EPIDERMOLYSIS BULLOSA, AUTOSOMAL RECESSIVE; EPIDERMOLYSIS BULLOSA DYSTROPHICA, HALLOPEAU-SIEMENS TYPE; Hallopeau-Siemens Disease; severe generalized recessive dystrophic epidermolysis bullosa; EPIDERMOLYSIS BULLOSA DYSTROPHICA, GENERALIZED SEVERE, AUTOSOMAL RECESSIVE; Epidermolysis Bullosa Distrophica Autosomal Recessive (RDEB). Identifiers: Orphanet 79408, Orphanet 79409, MedGen C0079474, MONDO:0009179, OMIM 226600.

Submission:

Myriad Genetics, Inc.
Classification: Pathogenic for Recessive dystrophic epidermolysis bullosa. Last evaluated: 2025-03-29. Review status: criteria provided, single submitter. Criteria: Myriad Autosomal Dominant, Autosomal Recessive and X-Linked Classification Criteria (2023). Collection method: clinical testing. Allele origin: unknown.
Comment: NM_000094.3(COL7A1):c.7505delG(G2502Efs*14) is expected to be pathogenic in the context of dystrophic epidermolysis bullosa. This variant is predicted to lead to an abnormal or absent protein product due to the creation of a premature termination codon in COL7A1, a gene where loss-of-function variants are known to be pathogenic. Please note: this variant was assessed in the context of healthy population screening.